The following is an entry in ClinVar:

ClinVar aggregate classification (germline): Benign/Likely benign. Review status: criteria provided, multiple submitters, no conflicts (2 of 4 stars). 4 submissions from 4 submitters: Benign (1); Likely benign (3). Last evaluated 2025-09-27.

Conditions:
Tuberous sclerosis 2 (TSC2). Identifiers: Orphanet 805, MedGen C1860707, MONDO:0013199, OMIM 613254.
Hereditary cancer-predisposing syndrome. Also called: Neoplastic Syndromes, Hereditary; Hereditary neoplastic syndrome; Tumor predisposition; Hereditary Cancer Syndrome. Identifiers: Orphanet 140162, MedGen C0027672, MeSH D009386, MONDO:0015356.
Tuberous sclerosis syndrome (TSC). Also called: Tuberous Sclerosis Complex; Tuberous sclerosis. Identifiers: Orphanet 805, MedGen C0041341, MONDO:0001734.

Allele frequency attached by ClinVar (database versions not stated): gnomAD exomes below 0.00001.
gnomAD v4.1: 1 of 1,613,634 alleles (0.000062%); highest among the groups gnomAD compares: Non-Finnish European, 0.000085%; no homozygotes.

Submissions (4):

Labcorp Genetics (formerly Invitae), Labcorp
Classification: Likely benign for Tuberous sclerosis 2. Last evaluated: 2025-09-27. Review status: criteria provided, single submitter. Criteria: Invitae Variant Classification Sherloc (09022015). Collection method: clinical testing. Allele origin: germline.

Myriad Genetics, Inc.
Classification: Benign for Tuberous sclerosis 2. Last evaluated: 2025-05-19. Review status: criteria provided, single submitter. Criteria: Myriad Autosomal Dominant, Autosomal Recessive and X-Linked Classification Criteria (2023). Collection method: clinical testing. Allele origin: unknown.
Comment: This variant is considered benign. This variant is a silent/synonymous amino acid change and it is not expected to impact splicing.

All of Us Research Program, National Institutes of Health
Classification: Likely benign for Tuberous sclerosis syndrome. Last evaluated: 2024-08-13. Review status: criteria provided, single submitter. Criteria: ACMG Guidelines, 2015. Collection method: clinical testing. Allele origin: germline. Inheritance: Autosomal dominant inheritance. Observed: 2 variant alleles, 2 heterozygotes.
Comment: This study involves interpretation of variants in research participants for the purpose of population health screening. Participant phenotype was not available at the time of variant classification. Additional details can be found in publication PMID: 35346344, PMCID: PMC8962531

Ambry Genetics
Classification: Likely benign for Hereditary cancer-predisposing syndrome. Last evaluated: 2023-05-12. Review status: criteria provided, single submitter. Criteria: Ambry Variant Classification Scheme 2023. Collection method: clinical testing. Allele origin: germline.

NM_000548.5(TSC2):c.2238A>C (p.Thr746=)

Gene: TSC2 (TSC complex subunit 2; plus strand). Cytogenetic location: 16p13.3.
Variant type: single nucleotide variant.
Coding change: c.2238A>C on transcript NM_000548.5 (MANE Select); coding-DNA position 2238, A replaced by C.
Protein change: p.Thr746=; no amino-acid change (threonine 746 retained).
Molecular consequence: synonymous variant.
Genome position (GRCh38, 1-based): chr16:2,072,866, A>C. VCF-style: chr16-2072866-A-C. GRCh37 (hg19) VCF-style: chr16-2122867-A-C.
Other names: c.2238A>C (NM_000548.3); c.2238A>C, p.Thr746= (NM_001077183.3, NM_001114382.3, NM_001363528.2 and 3 more transcripts); c.2127A>C, p.Thr709= (NM_001318827.2); c.2091A>C, p.Thr697= (NM_001318829.2); c.1638A>C, p.Thr546= (NM_001318831.2); c.2271A>C, p.Thr757= (NM_001318832.2).
Identifiers: ClinVar variation 1612568 (VCV001612568.12), dbSNP rs1060504115, ClinGen allele CA492952233.